The following is an entry in ClinVar:

ClinVar aggregate classification (germline): Uncertain significance. Review status: criteria provided, multiple submitters, no conflicts (2 of 4 stars). 2 submissions from 2 submitters: Uncertain significance (2). Last evaluated 2025-10-01.

Submissions (2):

CeGaT Center for Human Genetics Tuebingen
Classification: Uncertain significance. Last evaluated: 2025-10-01. Review status: criteria provided, single submitter. Criteria: CeGaT Center For Human Genetics Tuebingen Variant Classification Criteria Version 2. Collection method: clinical testing. Allele origin: germline. Affected: yes. Observed: 1 variant allele.
Comment: SPEG: PM2

Labcorp Genetics (formerly Invitae), Labcorp
Classification: Uncertain significance. Last evaluated: 2025-09-27. Review status: criteria provided, single submitter. Criteria: Invitae Variant Classification Sherloc (09022015). Collection method: clinical testing. Allele origin: germline.
Comment: This sequence change replaces glutamine, which is neutral and polar, with leucine, which is neutral and non-polar, at codon 2247 of the SPEG protein (p.Gln2247Leu). This variant is present in population databases (no rsID available, gnomAD 0.01%). This variant has not been reported in the literature in individuals affected with SPEG-related conditions. ClinVar contains an entry for this variant (Variation ID: 1438037). An algorithm developed to predict the effect of missense changes on protein structure and function (PolyPhen-2) suggests that this variant is likely to be tolerated. In summary, the available evidence is currently insufficient to determine the role of this variant in disease. Therefore, it has been classified as a Variant of Uncertain Significance.

NM_005876.5(SPEG):c.6739_6740delinsTT (p.Gln2247Leu)

Genes: ASIC4-AS1 (ASIC4 antisense RNA 1; minus strand), SPEG (striated muscle enriched protein kinase; plus strand). Cytogenetic location: 2q35.
Variant type: Indel.
Coding change: c.6739_6740delinsTT on transcript NM_005876.5 (MANE Select); coding-DNA positions 6739 to 6740, CA replaced by TT.
Protein change: p.Gln2247Leu; replaces glutamine 2247 with leucine.
Molecular consequence: missense variant.
Genome position (GRCh38, 1-based): chr2:219,484,202-219,484,203, CA replaced by TT. VCF-style: chr2-219484202-CA-TT. GRCh37 (hg19) VCF-style: chr2-220348924-CA-TT.
Other names: short protein forms Q2247L.
Identifiers: ClinVar variation 1438037 (VCV001438037.14), dbSNP rs2125558050, ClinGen allele CA2573135277.
Genomic context (GRCh38, chr2:219,484,202, plus strand): 5'-AAGCCTGCACCACCCCCCCAGGCCCTGCAAACCCTAGCGCTGCCCCTCACACCCTATGCT[CA>TT]GATCATTCAGTCCCTCCAGCTGTCAGGCCACGCCCAGGGCCCCTCGCAGGGCCCTGCCGC-3'
Protein context (NP_005867.3, residues 2237-2257): TLALPLTPYA[Gln2247Leu]IIQSLQLSGH